The following is an entry in ClinVar:

ClinVar aggregate classification (germline): Uncertain significance. Review status: criteria provided, multiple submitters, no conflicts (2 of 4 stars). 2 submissions from 2 submitters: Uncertain significance (2). Last evaluated 2025-06-22.

Conditions:
Inborn genetic diseases. Identifiers: MedGen C0950123, MeSH D030342.

Allele frequency attached by ClinVar (database versions not stated): ExAC 0.00001; gnomAD 0.00001; gnomAD exomes 0.00002.
gnomAD v4.1: 29 of 1,612,426 alleles (0.0018%); highest among the groups gnomAD compares: Non-Finnish European, 0.0024%; no homozygotes.

Submissions (2):

Ambry Genetics
Classification: Uncertain significance for Inborn genetic diseases. Last evaluated: 2025-06-22. Review status: criteria provided, single submitter. Criteria: Ambry Variant Classification Scheme 2023. Collection method: clinical testing. Allele origin: germline.

GeneDx
Classification: Uncertain significance. Last evaluated: 2023-06-20. Review status: criteria provided, single submitter. Criteria: GeneDx Variant Classification Process June 2021. Collection method: clinical testing. Allele origin: germline. Affected: yes.
Comment: In silico analysis supports that this missense variant has a deleterious effect on protein structure/function; Has not been previously published as pathogenic or benign to our knowledge

NM_017433.5(MYO3A):c.210A>T (p.Lys70Asn)

Gene: MYO3A (myosin IIIA; plus strand). Cytogenetic location: 10p12.1.
Variant type: single nucleotide variant.
Coding change: c.210A>T on transcript NM_017433.5 (MANE Select); coding-DNA position 210, A replaced by T.
Protein change: p.Lys70Asn; replaces lysine 70 with asparagine.
Molecular consequence: missense variant.
Genome position (GRCh38, 1-based): chr10:25,954,915, A>T. VCF-style: chr10-25954915-A-T. GRCh37 (hg19) VCF-style: chr10-26243844-A-T.
Other names: c.210A>T, p.Lys70Asn (NM_001368265.1); short protein forms K70N.
Identifiers: ClinVar variation 3252978 (VCV003252978.2), dbSNP rs757348590.
Genomic context (GRCh38, chr10:25,954,915, plus strand): 5'-TATGACTTTTTGAAACTAGGATATTGACGAAGAGATTGAAGCAGAATATAACATCTTAAA[A>T]GCACTTTCTGACCACCCTAATGTGGTCAGATTCTATGGGATATACTTTAAGAAGGATAAA-3'
Protein context (NP_059129.3, residues 60-80): EEIEAEYNIL[Lys70Asn]ALSDHPNVVR